The following is an entry in ClinVar:

ClinVar aggregate classification (germline): Conflicting classifications of pathogenicity. Review status: criteria provided, conflicting classifications (1 of 4 stars). 5 submissions from 5 submitters: Uncertain significance (1); Likely benign (3). 1 of the submissions does not count toward it. Last evaluated 2025-07-13.

Conditions:
Inborn genetic diseases. Identifiers: MedGen C0950123, MeSH D030342.
Permanent neonatal diabetes mellitus (PNDM). Identifiers: Orphanet 99885, MedGen C1833104, MONDO:0100164, MONDO:0011643. Disease mechanism: gain of function.
Maturity-onset diabetes of the young (MODY). Also called: Maturity onset diabetes mellitus in young. Identifiers: Orphanet 552, MedGen C0342276, MONDO:0018911, HP:0004904.

Allele frequency attached by ClinVar (database versions not stated): ESP Exome Variant Server 0.00008; gnomAD exomes 0.00010; ExAC 0.00011; TOPMed 0.00026; gnomAD 0.00033 and 0.00034.

Submissions (5):

Labcorp Genetics (formerly Invitae), Labcorp
Classification: Likely benign. Last evaluated: 2025-07-13. Review status: criteria provided, single submitter. Criteria: Invitae Variant Classification Sherloc (09022015). Collection method: clinical testing. Allele origin: germline.

ARUP Laboratories, Molecular Genetics and Genomics, ARUP Laboratories
Classification: Likely benign. Last evaluated: 2023-04-21. Review status: criteria provided, single submitter. Criteria: ARUP Molecular Germline Variant Investigation Process 2024. Collection method: clinical testing. Allele origin: germline.

Ambry Genetics
Classification: Likely benign for Inborn genetic diseases. Last evaluated: 2022-06-02. Review status: criteria provided, single submitter. Criteria: Ambry Variant Classification Scheme 2023. Collection method: clinical testing. Allele origin: germline.

Clinical Genomics, Uppaluri K&H Personalized Medicine Clinic
Classification: Uncertain significance for Maturity-onset diabetes of the young. Review status: criteria provided, single submitter. Criteria: K&H Uppaluri Personalized Medicine Clinic Variant Classification & Assertion Criteria. Collection method: research. Allele origin: somatic. Inheritance: Autosomal dominant inheritance.
Comment: Mutations in KCNJ11 gene can cause decreased production and secretion of insulin. This can lead to MODY which may be responsive to oral sulfonylureas. It is also associated with Neonatal Diabetes. However, no sufficient evidence is found to ascertain the role of rs374134161 variant in MODY yet.

Natera, Inc.
Classification: Uncertain significance for Permanent neonatal diabetes mellitus. Last evaluated: 2020-04-13. Review status: no assertion criteria provided. Collection method: clinical testing. Allele origin: germline. Not counted in ClinVar's aggregate classification.

Literature cited by the submitters: PubMed 26448950 (cited by Clinical Genomics, Uppaluri K&H Personalized Medicine Clinic); PubMed 15580558 (cited by Clinical Genomics, Uppaluri K&H Personalized Medicine Clinic); PubMed 15718250 (cited by Clinical Genomics, Uppaluri K&H Personalized Medicine Clinic); PubMed 32935446 (cited by Clinical Genomics, Uppaluri K&H Personalized Medicine Clinic); PubMed 22701567 (cited by Clinical Genomics, Uppaluri K&H Personalized Medicine Clinic).

NM_000525.4(KCNJ11):c.27C>T (p.Pro9=)

Gene: KCNJ11 (potassium inwardly rectifying channel subfamily J member 11; minus strand). Cytogenetic location: 11p15.1.
Variant type: single nucleotide variant.
Coding change: c.27C>T on transcript NM_000525.4 (MANE Select); coding-DNA position 27, C replaced by T.
Protein change: p.Pro9=; no amino-acid change (proline 9 retained).
Molecular consequence: synonymous variant. On other transcripts: 5 prime UTR variant (1), intron variant (2).
Genome position (GRCh38, 1-based): chr11:17,388,065, G>A on the plus strand (C>T on the coding strand, the complement: KCNJ11 is on the minus strand). VCF-style: chr11-17388065-G-A. GRCh37 (hg19) VCF-style: chr11-17409612-G-A.
Other names: c.-64C>T (NM_001377296.1); c.-16-219C>T (NM_001166290.2, NM_001377297.1).
Identifiers: ClinVar variation 729862 (VCV000729862.15), dbSNP rs374134161, ClinGen allele CA5902347.